The following is an entry in ClinVar:

NM_001848.3(COL6A1):c.2250+48G>A

Gene: COL6A1 (collagen type VI alpha 1 chain; plus strand). Cytogenetic location: 21q22.3.
Variant type: single nucleotide variant.
Coding change: c.2250+48G>A on transcript NM_001848.3 (MANE Select); 48 bases into the intron after coding-DNA position 2250, G replaced by A.
Molecular consequence: intron variant.
Genome position (GRCh38, 1-based): chr21:46,002,449, G>A. VCF-style: chr21-46002449-G-A. GRCh37 (hg19) VCF-style: chr21-47422363-G-A.
Identifiers: ClinVar variation 3039892 (VCV003039892.2), dbSNP rs201100191, ClinGen allele CA10070814.

ClinVar aggregate classification (germline): Likely benign (0 of 4 stars; one submission).

Conditions:
COL6A1-related disorder. Also called: COL6A1-related condition.

Allele frequency attached by ClinVar (database versions not stated): 1000 Genomes Project 0.00040; 1000 Genomes Project 30x 0.00047; TOPMed 0.00051; gnomAD exomes 0.00071; gnomAD 0.00076; ESP Exome Variant Server 0.00085; ExAC 0.00114.

Submission:

PreventionGenetics, part of Exact Sciences
Classification: Likely benign for COL6A1-related condition. Last evaluated: 2019-10-28. Review status: no assertion criteria provided. Collection method: clinical testing. Allele origin: germline.
Comment: This variant is classified as likely benign based on ACMG/AMP sequence variant interpretation guidelines (Richards et al. 2015 PMID: 25741868, with internal and published modifications).